The following is an entry in ClinVar:

NM_004304.5(ALK):c.1189G>A (p.Asp397Asn)

Gene: ALK (ALK receptor tyrosine kinase; minus strand). Cytogenetic location: 2p23.2.
Variant type: single nucleotide variant.
Coding change: c.1189G>A on transcript NM_004304.5 (MANE Select); coding-DNA position 1189, G replaced by A.
Protein change: p.Asp397Asn; replaces aspartic acid 397 with asparagine.
Molecular consequence: missense variant.
Genome position (GRCh38, 1-based): chr2:29,383,825, C>T on the plus strand (G>A on the coding strand, the complement: ALK is on the minus strand). VCF-style: chr2-29383825-C-T. GRCh37 (hg19) VCF-style: chr2-29606691-C-T.
Other names: short protein forms D397N.
Identifiers: ClinVar variation 470741 (VCV000470741.14), dbSNP rs747810439, ClinGen allele CA1594725.

ClinVar aggregate classification (germline): Conflicting classifications of pathogenicity. Review status: criteria provided, conflicting classifications (1 of 4 stars). 4 submissions from 4 submitters: Uncertain significance (3); Likely benign (1). Last evaluated 2025-12-03.

Conditions:
Hereditary cancer-predisposing syndrome. Also called: Hereditary neoplastic syndrome; Neoplastic Syndromes, Hereditary; Tumor predisposition; Hereditary Cancer Syndrome. Identifiers: Orphanet 140162, MedGen C0027672, MeSH D009386, MONDO:0015356.
Neuroblastoma, susceptibility to, 3. Also called: ALK-Related Neuroblastic Tumor Susceptibility. Identifiers: Orphanet 635, MedGen C2751681, MONDO:0013083, OMIM 613014.

Allele frequency attached by ClinVar (database versions not stated): gnomAD 0.00002 and 0.00003; gnomAD exomes 0.00002 and 0.00005; TOPMed 0.00003; ExAC 0.00009.
gnomAD v4.1: 45 of 1,614,136 alleles (0.0028%); highest among the groups gnomAD compares: Middle Eastern, 0.033%; no homozygotes.

Submissions (4):

Labcorp Genetics (formerly Invitae), Labcorp
Classification: Uncertain significance for Neuroblastoma, susceptibility to, 3. Last evaluated: 2025-12-03. Review status: criteria provided, single submitter. Criteria: Invitae Variant Classification Sherloc (09022015). Collection method: clinical testing. Allele origin: germline.
Comment: This sequence change replaces aspartic acid, which is acidic and polar, with asparagine, which is neutral and polar, at codon 397 of the ALK protein (p.Asp397Asn). This variant is present in population databases (rs747810439, gnomAD 0.01%). This missense change has been observed in individual(s) with hereditary hemorrhagic telangiectasia (PMID: 15517393). ClinVar contains an entry for this variant (Variation ID: 470741). An algorithm developed to predict the effect of missense changes on protein structure and function (PolyPhen-2) suggests that this variant is likely to be tolerated. In summary, the available evidence is currently insufficient to determine the role of this variant in disease. Therefore, it has been classified as a Variant of Uncertain Significance.

Ambry Genetics
Classification: Likely benign for Hereditary cancer-predisposing syndrome. Last evaluated: 2025-01-18. Review status: criteria provided, single submitter. Criteria: Ambry Variant Classification Scheme 2023. Collection method: clinical testing. Allele origin: germline.

Baylor Genetics
Classification: Uncertain significance for Neuroblastoma, susceptibility to, 3. Last evaluated: 2024-03-01. Review status: criteria provided, single submitter. Criteria: ACMG Guidelines, 2015. Collection method: clinical testing. Allele origin: unknown.

Breakthrough Genomics
Classification: Uncertain significance. Review status: criteria provided, single submitter. Criteria: ACMG Guidelines, 2015. Collection method: not provided. Allele origin: germline. Inheritance: Unknown mechanism. Affected: yes.

Literature cited by the submitters: PubMed 15517393 (cited by Labcorp Genetics (formerly Invitae), Labcorp).